The following is an entry in ClinVar:

NM_001148.6(ANK2):c.10744T>G (p.Phe3582Val)

Gene: ANK2 (ankyrin 2; plus strand). Cytogenetic location: 4q26.
Variant type: single nucleotide variant.
Coding change: c.10744T>G on transcript NM_001148.6 (MANE Select); coding-DNA position 10744, T replaced by G.
Protein change: p.Phe3582Val; replaces phenylalanine 3582 with valine.
Molecular consequence: missense variant.
Genome position (GRCh38, 1-based): chr4:113,360,885, T>G. VCF-style: chr4-113360885-T-G. GRCh37 (hg19) VCF-style: chr4-114282041-T-G.
Other names: c.4462T>G, p.Phe1488Val (NM_001127493.3); c.4501T>G, p.Phe1501Val (NM_001354225.2); c.4390T>G, p.Phe1464Val (NM_001354228.2, NM_001354258.2); c.4468T>G, p.Phe1490Val (NM_001354230.2); c.4531T>G, p.Phe1511Val (NM_001354231.2, NM_001354242.2); c.4525T>G, p.Phe1509Val (NM_001354232.2); c.4486T>G, p.Phe1496Val (NM_001354235.2, NM_001354246.2, NM_001354265.2); c.4387T>G, p.Phe1463Val (NM_001354236.2); and 36 more; short protein forms F1336V, F1369V, F1397V, F1402V, F1410V, F1419V, F1422V, F1424V.
Identifiers: ClinVar variation 1061622 (VCV001061622.7), dbSNP rs2154037371, ClinGen allele CA357941118.

ClinVar aggregate classification (germline): Uncertain significance. Review status: criteria provided, multiple submitters, no conflicts (2 of 4 stars). 3 submissions from 3 submitters: Uncertain significance (3). Last evaluated 2026-07-07.

Conditions:
Long QT syndrome (LQTS). Identifiers: MedGen C0023976, MeSH D008133, MONDO:0002442. Disease mechanism: loss of function. Inheritance: Various modes of inheritance.
ANK2-related disorder. Also called: ANK2-related condition.
Cardiovascular phenotype. Identifiers: MedGen CN230736.

gnomAD v4.1: 2 of 1,612,472 alleles (0.00012%); highest among the groups gnomAD compares: Non-Finnish European, 0.00017%; no homozygotes.

Submissions (3):

PreventionGenetics, part of Exact Sciences
Classification: Uncertain significance for ANK2-related condition. Last evaluated: 2026-07-07. Review status: criteria provided, single submitter. Criteria: ACMG Guidelines, 2015. Collection method: clinical testing. Allele origin: germline.
Comment: The ANK2 c.10744T>G variant is predicted to result in the amino acid substitution p.Phe3582Val. To our knowledge, this variant has not been reported in the literature or in a large population database (gnomAD), indicating this variant is rare. At this time, the clinical significance of this variant is uncertain due to the absence of conclusive functional and genetic evidence.

Ambry Genetics
Classification: Uncertain significance for Cardiovascular phenotype. Last evaluated: 2024-01-16. Review status: criteria provided, single submitter. Criteria: Ambry Variant Classification Scheme 2023. Collection method: clinical testing. Allele origin: germline.
Comment: The p.F3582V variant (also known as c.10744T>G), located in coding exon 39 of the ANK2 gene, results from a T to G substitution at nucleotide position 10744. The phenylalanine at codon 3582 is replaced by valine, an amino acid with highly similar properties. This amino acid position is conserved. In addition, this alteration is predicted to be deleterious by in silico analysis. Since supporting evidence is limited at this time, the clinical significance of this alteration remains unclear.

Labcorp Genetics (formerly Invitae), Labcorp
Classification: Uncertain significance for Long QT syndrome. Last evaluated: 2023-08-09. Review status: criteria provided, single submitter. Criteria: Invitae Variant Classification Sherloc (09022015). Collection method: clinical testing. Allele origin: germline.
Comment: This variant is not present in population databases (gnomAD no frequency). This variant has not been reported in the literature in individuals affected with ANK2-related conditions. ClinVar contains an entry for this variant (Variation ID: 1061622). Advanced modeling of protein sequence and biophysical properties (such as structural, functional, and spatial information, amino acid conservation, physicochemical variation, residue mobility, and thermodynamic stability) performed at Invitae indicates that this missense variant is not expected to disrupt ANK2 protein function. This sequence change replaces phenylalanine, which is neutral and non-polar, with valine, which is neutral and non-polar, at codon 3582 of the ANK2 protein (p.Phe3582Val). In summary, the available evidence is currently insufficient to determine the role of this variant in disease. Therefore, it has been classified as a Variant of Uncertain Significance.